The following is an entry in ClinVar:

ClinVar aggregate classification (germline): Pathogenic. Review status: criteria provided, multiple submitters, no conflicts (2 of 4 stars). 7 submissions from 7 submitters: Pathogenic (7). Last evaluated 2026-04-20.

Conditions:
Polycystic kidney disease, adult type (PKD1). Also called: Polycystic Kidney Disease 1, Autosomal Dominant; Polycystic kidney disease 1; Polycystic kidney disease 1, severe; POLYCYSTIC KIDNEY DISEASE 1 WITH OR WITHOUT POLYCYSTIC LIVER DISEASE; Polycystic Kidney, Autosomal Dominant; POLYCYSTIC KIDNEY DISEASE, ADULT, TYPE I. Identifiers: MedGen C3149841, MONDO:0008263, OMIM 173900.

Allele frequency attached by ClinVar (database versions not stated): TOPMed below 0.00001.

Submissions (7):

Women's Health and Genetics/Laboratory Corporation of America, LabCorp
Classification: Pathogenic for Polycystic kidney disease, adult type. Last evaluated: 2026-04-20. Review status: criteria provided, single submitter. Criteria: LabCorp Variant Classification Summary - May 2015. Collection method: clinical testing. Allele origin: germline.
Comment: Variant summary: PKD1 c.11343C>G (p.Tyr3781X) results in a premature termination codon, predicted to cause a truncation of the encoded protein or absence of the protein due to nonsense mediated decay, which are commonly known mechanisms for disease. The frequency data for this variant in gnomAD is considered unreliable in gnomAD v2.1, as metrics indicate poor data quality at this position, however it was absent in gnomAD v4.1. c.11343C>G has been observed in multiple individuals affected with Polycystic Kidney Disease 1 (e.g., Elhassan_2024). These data indicate that the variant is very likely to be associated with disease. The following publication has been ascertained in the context of this evaluation (PMID: 38481516). ClinVar contains an entry for this variant (Variation ID: 873379). Based on the evidence outlined above, the variant was classified as pathogenic.

Victorian Clinical Genetics Services, Murdoch Childrens Research Institute
Classification: Pathogenic for Polycystic kidney disease, adult type. Last evaluated: 2025-11-10. Review status: criteria provided, single submitter. Criteria: ACMG Guidelines, 2015. Collection method: clinical testing. Allele origin: germline. Affected: yes.
Comment: This variant is classified as Pathogenic. Evidence in support of pathogenic classification: Variant is predicted to cause nonsense-mediated decay (NMD) and loss of protein (premature termination codon is located at least 54 nucleotides upstream of the final exon-exon junction); Variant is absent from gnomAD (v2, v3 and v4); This variant has moderate previous evidence of pathogenicity in unrelated individuals. This variant has been classified as pathogenic by clinical laboratories in ClinVar; Other NMD-predicted variant(s) comparable to the one identified in this case have very strong previous evidence for pathogenicity (DECIPHER). Additional information: This variant is heterozygous; This gene is associated with autosomal dominant disease. Polycystic kidney disease 1 (MIM#173900) is predominantly caused by monoallelic variants, with rare reports of biallelic variants causing disease (OMIM); Loss of function is a known mechanism of disease in this gene and is associated with polycystic kidney disease 1 (MIM#173900); Inheritance information for this variant is not currently available in this individual.

CeGaT Center for Human Genetics Tuebingen
Classification: Pathogenic. Last evaluated: 2025-01-01. Review status: criteria provided, single submitter. Criteria: CeGaT Center For Human Genetics Tuebingen Variant Classification Criteria Version 2. Collection method: clinical testing. Allele origin: germline. Affected: yes. Observed: 2 variant alleles.
Comment: PKD1: PVS1, PM2, PS4:Moderate

Fulgent Genetics
Classification: Pathogenic for Polycystic kidney disease, adult type. Last evaluated: 2022-05-17. Review status: criteria provided, single submitter. Criteria: ACMG Guidelines, 2015. Collection method: clinical testing. Allele origin: unknown.

Athena Diagnostics
Classification: Pathogenic. Last evaluated: 2021-09-10. Review status: criteria provided, single submitter. Criteria: Athena Diagnostics Criteria. Collection method: clinical testing. Allele origin: unknown.
Comment: This variant is expected to result in the loss of a functional protein. This variant has not been reported in large, multi-ethnic general populations. This variant has been identified in at least one individual tested at Athena Diagnostics with clinical features associated with this gene.

Cavalleri Lab, Royal College of Surgeons in Ireland
Classification: Pathogenic for Polycystic kidney disease, adult type. Last evaluated: 2020-02-05. Review status: criteria provided, single submitter. Criteria: ACMG Guidelines, 2015. Collection method: research. Allele origin: unknown. Inheritance: Autosomal dominant inheritance. Affected: yes.
Comment: PVS1, PM2, PP4, PP5

Molecular Biology Laboratory, Fundació Puigvert
Classification: Pathogenic for Polycystic kidney disease, adult type. Last evaluated: 2020-02-01. Review status: criteria provided, single submitter. Criteria: ACMG Guidelines, 2015. Collection method: research. Allele origin: germline. Affected: yes. Study: KidneyPanel_2020.

Literature cited by the submitters: PubMed 38481516 (cited by Women's Health and Genetics/Laboratory Corporation of America, LabCorp); PubMed 33532864 (cited by Molecular Biology Laboratory, Fundació Puigvert).

NM_001009944.3(PKD1):c.11343C>G (p.Tyr3781Ter)

Genes: PKD1 (polycystin 1, transient receptor potential channel interacting; minus strand), PKD1-AS1 (PKD1 antisense RNA 1; plus strand). Cytogenetic location: 16p13.3.
Variant type: single nucleotide variant.
Coding change: c.11343C>G on transcript NM_001009944.3 (MANE Select); coding-DNA position 11343, C replaced by G.
Protein change: p.Tyr3781Ter; replaces tyrosine 3781 with a stop codon.
Molecular consequence: nonsense.
Genome position (GRCh38, 1-based): chr16:2,092,115, G>C on the plus strand (C>G on the coding strand, the complement: PKD1 is on the minus strand). VCF-style: chr16-2092115-G-C. GRCh37 (hg19) VCF-style: chr16-2142116-G-C.
Other names: c.11340C>G (NM_000296.3); c.11340C>G, p.Tyr3780Ter (NM_000296.4); short protein forms Y3780*, Y3781*.
Identifiers: ClinVar variation 873379 (VCV000873379.20), dbSNP rs2091619053, ClinGen allele CA394334358.